The following is an entry in ClinVar:

NM_007373.4(SHOC2):c.1540+8C>T

Gene: SHOC2 (SHOC2 leucine rich repeat scaffold protein; plus strand). Cytogenetic location: 10q25.2.
Variant type: single nucleotide variant.
Coding change: c.1540+8C>T on transcript NM_007373.4 (MANE Select); 8 bases into the intron after coding-DNA position 1540, C replaced by T.
Molecular consequence: intron variant.
Genome position (GRCh38, 1-based): chr10:111,009,838, C>T. VCF-style: chr10-111009838-C-T. GRCh37 (hg19) VCF-style: chr10-112769596-C-T.
Other names: c.1540+8C>T (NM_001324336.2, NM_001324337.2); c.1402+8C>T (NM_001269039.3).
Identifiers: ClinVar variation 448936 (VCV000448936.10), dbSNP rs771283010, ClinGen allele CA5689792.

ClinVar aggregate classification (germline): Likely benign. Review status: reviewed by expert panel (3 of 4 stars). 3 submissions from 3 submitters: Likely benign (1). 2 of the submissions do not count toward it. Last evaluated 2017-04-18.

Conditions:
RASopathy. Also called: Noonan spectrum disorder; rasopathies. Identifiers: Orphanet 536391, MedGen C5555857, MONDO:0021060.

Allele frequency attached by ClinVar (database versions not stated): TOPMed 0.00005.
gnomAD v4.1: 765 of 1,391,572 alleles (0.055%); highest among the groups gnomAD compares: Non-Finnish European, 0.0044%; 6 homozygotes.

Submissions (3):

ClinGen RASopathy Variant Curation Expert Panel
Classification: Likely benign for Noonan syndrome and Noonan-related syndrome. Last evaluated: 2017-04-18. Review status: reviewed by expert panel. Criteria: ClinGen RASopathy ACMG Specifications v1. Collection method: curation. Allele origin: germline. Inheritance: Autosomal dominant inheritance.
Comment: The filtering allele frequency of the c.1540+8C>T variant in the SHOC2 gene is 0.0374% (34/66702) of European chromosomes by the Exome Aggregation Consortium, which is a high enough frequency to be classified as likely benign based on thresholds defined by the ClinGen RASopathy Expert Panel (BS1; PMID:29493581)

Labcorp Genetics (formerly Invitae), Labcorp
Classification: Benign for RASopathy. Last evaluated: 2026-01-25. Review status: criteria provided, single submitter. Criteria: Invitae Variant Classification Sherloc (09022015). Collection method: clinical testing. Allele origin: germline. Not counted in ClinVar's aggregate classification.

Blueprint Genetics
Classification: Likely benign. Last evaluated: 2024-11-22. Review status: criteria provided, single submitter. Criteria: ACMG Guidelines, 2015. Collection method: clinical testing. Allele origin: germline. Not counted in ClinVar's aggregate classification.